The following is an entry in ClinVar:

NM_181882.3(PRX):c.2194G>T (p.Val732Leu)

Gene: PRX (periaxin; minus strand). Cytogenetic location: 19q13.2.
Variant type: single nucleotide variant.
Coding change: c.2194G>T on transcript NM_181882.3 (MANE Select); coding-DNA position 2194, G replaced by T.
Protein change: p.Val732Leu; replaces valine 732 with leucine.
Molecular consequence: missense variant. On other transcripts: 3 prime UTR variant (1).
Genome position (GRCh38, 1-based): chr19:40,396,158, C>A on the plus strand (G>T on the coding strand, the complement: PRX is on the minus strand). VCF-style: chr19-40396158-C-A. GRCh37 (hg19) VCF-style: chr19-40902065-C-A.
Other names: c.2479G>T, p.Val827Leu (NM_001411127.1); c.*2399G>T (NM_020956.2); short protein forms V732L, V827L.
Identifiers: ClinVar variation 4998120 (VCV004998120.1).
Genomic context (GRCh38, chr19:40,396,158, plus strand): 5'-CTGACACTTTCGGCAGCTGCACCTCGGGGAGGTGCACATCGGGCACAGCCATCTCAGGCA[C>A]CTTGGGGAGTTTTATCTCTGGGAGCTTCATGTCAGGGACTTTCATTTCACAGACTTTGGG-3'
Protein context (NP_870998.2, residues 722-742): MKLPEIKLPK[Val732Leu]PEMAVPDVHL

ClinVar aggregate classification (germline): Uncertain significance (1 of 4 stars; one submission).

Conditions:
PRX-related disorder. Also called: PRX-related condition; PRX-Related Disorders.

gnomAD v4.1: 4 of 1,612,974 alleles (0.00025%); highest among the groups gnomAD compares: Non-Finnish European, 0.00034%; no homozygotes.

Submission:

PreventionGenetics, part of Exact Sciences
Classification: Uncertain significance for PRX-related condition. Last evaluated: 2025-07-03. Review status: criteria provided, single submitter. Criteria: ACMG Guidelines, 2015. Collection method: clinical testing. Allele origin: germline.
Comment: The PRX c.2194G>T variant is predicted to result in the amino acid substitution p.Val732Leu. To our knowledge, this variant has not been reported in the literature or in a large population database (gnomAD), indicating this variant is rare. At this time, the clinical significance of this variant is uncertain due to the absence of conclusive functional and genetic evidence.